The following is an entry in ClinVar:

ClinVar aggregate classification (germline): Uncertain significance. Review status: criteria provided, multiple submitters, no conflicts (2 of 4 stars). 2 submissions from 2 submitters: Uncertain significance (2). Last evaluated 2025-02-06.

Conditions:
Primary immunodeficiency with natural-killer cell deficiency and adrenal insufficiency (IMD54). Also called: Natural killer cell and glucocorticoid deficiency with DNA repair defect; IMMUNODEFICIENCY 54. Identifiers: Orphanet 75391, MedGen C1864947, MONDO:0012383, OMIM 609981.

Allele frequency attached by ClinVar (database versions not stated): TOPMed 0.00002; gnomAD exomes 0.00003; ExAC 0.00005; 1000 Genomes Project 30x 0.00031; 1000 Genomes Project 0.00040.

Submissions (2):

Labcorp Genetics (formerly Invitae), Labcorp
Classification: Uncertain significance. Last evaluated: 2025-02-06. Review status: criteria provided, single submitter. Criteria: Invitae Variant Classification Sherloc (09022015). Collection method: clinical testing. Allele origin: germline.
Comment: This sequence change replaces arginine, which is basic and polar, with tryptophan, which is neutral and slightly polar, at codon 422 of the MCM4 protein (p.Arg422Trp). This variant is present in population databases (rs78091557, gnomAD 0.03%). This variant has not been reported in the literature in individuals affected with MCM4-related conditions. ClinVar contains an entry for this variant (Variation ID: 363231). Invitae Evidence Modeling of protein sequence and biophysical properties (such as structural, functional, and spatial information, amino acid conservation, physicochemical variation, residue mobility, and thermodynamic stability) indicates that this missense variant is expected to disrupt MCM4 protein function with a positive predictive value of 80%. In summary, the available evidence is currently insufficient to determine the role of this variant in disease. Therefore, it has been classified as a Variant of Uncertain Significance.

Illumina Laboratory Services, Illumina
Classification: Uncertain significance for Primary immunodeficiency with natural-killer cell deficiency and adrenal insufficiency. Last evaluated: 2018-01-12. Review status: criteria provided, single submitter. Criteria: ICSL Variant Classification Criteria 13 December 2019. Collection method: clinical testing. Allele origin: germline.

NM_182746.3(MCM4):c.1264C>T (p.Arg422Trp)

Gene: MCM4 (minichromosome maintenance complex component 4; plus strand). Cytogenetic location: 8q11.21.
Variant type: single nucleotide variant.
Coding change: c.1264C>T on transcript NM_182746.3 (MANE Select); coding-DNA position 1264, C replaced by T.
Protein change: p.Arg422Trp; replaces arginine 422 with tryptophan.
Molecular consequence: missense variant.
Genome position (GRCh38, 1-based): chr8:47,969,887, C>T. VCF-style: chr8-47969887-C-T. GRCh37 (hg19) VCF-style: chr8-48882447-C-T.
Other names: c.1264C>T, p.Arg422Trp (LRG_1239t1, NM_005914.4); short protein forms R422W.
Identifiers: ClinVar variation 363231 (VCV000363231.10), dbSNP rs78091557, ClinGen allele CA4742575.